The following is an entry in ClinVar:

NM_000246.4(CIITA):c.1834A>G (p.Thr612Ala)

Gene: CIITA (class II major histocompatibility complex transactivator; plus strand). Cytogenetic location: 16p13.13.
Variant type: single nucleotide variant.
Coding change: c.1834A>G on transcript NM_000246.4 (MANE Select); coding-DNA position 1834, A replaced by G.
Protein change: p.Thr612Ala; replaces threonine 612 with alanine.
Molecular consequence: missense variant. On other transcripts: intron variant (1).
Genome position (GRCh38, 1-based): chr16:10,907,326, A>G. VCF-style: chr16-10907326-A-G. GRCh37 (hg19) VCF-style: chr16-11001183-A-G.
Other names: c.1837A>G, p.Thr613Ala (NM_001286402.1, NM_001379332.1); c.1690A>G, p.Thr564Ala (NM_001379330.1); c.1687A>G, p.Thr563Ala (NM_001379331.1); c.1834A>G, p.Thr612Ala (NM_001379333.1); c.1765A>G, p.Thr589Ala (NM_001379334.1); c.860-1657A>G (NM_001286403.2); short protein forms T612A, T613A, T563A, T564A, T589A.
Identifiers: ClinVar variation 837945 (VCV000837945.4), dbSNP rs142257962, ClinGen allele CA7900228.

ClinVar aggregate classification (germline): Uncertain significance. Review status: criteria provided, single submitter (1 of 4 stars). 2 submissions from 2 submitters: Uncertain significance (1). 1 of the submissions does not count toward it. Last evaluated 2021-08-25.

Conditions:
MHC class II deficiency. Also called: BLS, TYPE II; Bare lymphocyte syndrome 2. Identifiers: Orphanet 572, MedGen C5447452, MONDO:0008855.

Allele frequency attached by ClinVar (database versions not stated): ExAC 0.00003; gnomAD exomes 0.00003 and 0.00011; TOPMed 0.00003; gnomAD 0.00004 and 0.00008; 1000 Genomes Project 30x 0.00047; 1000 Genomes Project 0.00060.
gnomAD v4.1: 168 of 1,613,396 alleles (0.01%); highest among the groups gnomAD compares: East Asian, 0.37%; 1 homozygote.

Submissions (2):

Labcorp Genetics (formerly Invitae), Labcorp
Classification: Uncertain significance for MHC class II deficiency. Last evaluated: 2021-08-25. Review status: criteria provided, single submitter. Criteria: Invitae Variant Classification Sherloc (09022015). Collection method: clinical testing. Allele origin: germline.
Comment: This sequence change replaces threonine with alanine at codon 612 of the CIITA protein (p.Thr612Ala). The threonine residue is weakly conserved and there is a small physicochemical difference between threonine and alanine. This variant is present in population databases (rs142257962, ExAC 0.04%). This variant has not been reported in the literature in individuals affected with CIITA-related conditions. Algorithms developed to predict the effect of missense changes on protein structure and function output the following: SIFT: "Tolerated"; PolyPhen-2: "Benign"; Align-GVGD: "Class C0". The alanine amino acid residue is found in multiple mammalian species, which suggests that this missense change does not adversely affect protein function. In summary, the available evidence is currently insufficient to determine the role of this variant in disease. Therefore, it has been classified as a Variant of Uncertain Significance.

Natera, Inc.
Classification: Likely benign for Bare lymphocyte syndrome type II. Last evaluated: 2020-04-24. Review status: no assertion criteria provided. Collection method: clinical testing. Allele origin: germline. Not counted in ClinVar's aggregate classification.